The following is an entry in ClinVar:

NM_152564.5(VPS13B):c.10605C>T (p.His3535=)

Gene: VPS13B (vacuolar protein sorting 13 homolog B; plus strand). Cytogenetic location: 8q22.2.
Variant type: single nucleotide variant.
Coding change: c.10605C>T on transcript NM_152564.5 (MANE Select); coding-DNA position 10605, C replaced by T.
Protein change: p.His3535=; no amino-acid change (histidine 3535 retained).
Molecular consequence: synonymous variant.
Genome position (GRCh38, 1-based): chr8:99,853,994, C>T. VCF-style: chr8-99853994-C-T. GRCh37 (hg19) VCF-style: chr8-100866222-C-T.
Other names: c.10680C>T, p.His3560= (NM_017890.5); c.10605C>T (NM_152564.4).
Identifiers: ClinVar variation 1113774 (VCV001113774.12), dbSNP rs937349095, ClinGen allele CA182314594.
Genomic context (GRCh38, chr8:99,853,994, plus strand): 5'-CATCAAGACTTTGTTTGACACCTACCTTCCTAACAGCAGGTTGGCTGGTCACTCCACACA[C>T]CTCTCCGGGGGTAAACAGGTGTTGCCCATGCAGGTCACACAGCACGCCAGGGCCTTGGTG-3'
Protein context (NP_689777.3, residues 3525-3545): PNSRLAGHST[His3535=]LSGGKQVLPM

ClinVar aggregate classification (germline): Likely benign. Review status: criteria provided, multiple submitters, no conflicts (2 of 4 stars). 3 submissions from 3 submitters: Likely benign (2). 1 of the submissions does not count toward it. Last evaluated 2026-01-20.

Conditions:
VPS13B-related disorder. Also called: VPS13B-related condition.
Cohen syndrome (COH1). Also called: PEPPER SYNDROME; Cutis verticis gyrata, retinitis pigmentosa, and sensorineural deafness. Identifiers: Orphanet 193, MedGen C0265223, MONDO:0008999, OMIM 216550.

Allele frequency attached by ClinVar (database versions not stated): gnomAD exomes below 0.00001; TOPMed 0.00001.
gnomAD v4.1: 9 of 1,614,242 alleles (0.00056%); highest among the groups gnomAD compares: East Asian, 0.0022%; no homozygotes.

Submissions (3):

Labcorp Genetics (formerly Invitae), Labcorp
Classification: Likely benign for Cohen syndrome. Last evaluated: 2026-01-20. Review status: criteria provided, single submitter. Criteria: Invitae Variant Classification Sherloc (09022015). Collection method: clinical testing. Allele origin: germline.

Blueprint Genetics
Classification: Likely benign. Last evaluated: 2022-08-25. Review status: criteria provided, single submitter. Criteria: ACMG Guidelines, 2015. Collection method: clinical testing. Allele origin: germline.

PreventionGenetics, part of Exact Sciences
Classification: Likely benign for VPS13B-related condition. Last evaluated: 2021-07-23. Review status: no assertion criteria provided. Collection method: clinical testing. Allele origin: germline. Not counted in ClinVar's aggregate classification.
Comment: This variant is classified as likely benign based on ACMG/AMP sequence variant interpretation guidelines (Richards et al. 2015 PMID: 25741868, with internal and published modifications).